The following is an entry in ClinVar:

ClinVar aggregate classification (germline): Uncertain significance (1 of 4 stars; one submission).

Conditions:
RASopathy. Also called: rasopathies; Noonan spectrum disorder. Identifiers: Orphanet 536391, MedGen C5555857, MONDO:0021060.

gnomAD v4.1: 1 of 1,613,580 alleles (0.000062%); highest among the groups gnomAD compares: Non-Finnish European, 0.000085%; no homozygotes.

Submission:

Labcorp Genetics (formerly Invitae), Labcorp
Classification: Uncertain significance for RASopathy. Last evaluated: 2024-12-04. Review status: criteria provided, single submitter. Criteria: Invitae Variant Classification Sherloc (09022015). Collection method: clinical testing. Allele origin: germline.
Comment: This sequence change replaces histidine, which is basic and polar, with arginine, which is basic and polar, at codon 1232 of the SOS1 protein (p.His1232Arg). This variant is not present in population databases (gnomAD no frequency). This variant has not been reported in the literature in individuals affected with SOS1-related conditions. Invitae Evidence Modeling of protein sequence and biophysical properties (such as structural, functional, and spatial information, amino acid conservation, physicochemical variation, residue mobility, and thermodynamic stability) indicates that this missense variant is not expected to disrupt SOS1 protein function with a negative predictive value of 95%. In summary, the available evidence is currently insufficient to determine the role of this variant in disease. Therefore, it has been classified as a Variant of Uncertain Significance.

NM_005633.4(SOS1):c.3695A>G (p.His1232Arg)

Gene: SOS1 (SOS Ras/Rac guanine nucleotide exchange factor 1; minus strand). Cytogenetic location: 2p22.1.
Variant type: single nucleotide variant.
Coding change: c.3695A>G on transcript NM_005633.4 (MANE Select); coding-DNA position 3695, A replaced by G.
Protein change: p.His1232Arg; replaces histidine 1232 with arginine.
Molecular consequence: missense variant.
Genome position (GRCh38, 1-based): chr2:38,986,131, T>C on the plus strand (A>G on the coding strand, the complement: SOS1 is on the minus strand). VCF-style: chr2-38986131-T-C. GRCh37 (hg19) VCF-style: chr2-39213272-T-C.
Other names: c.3674A>G, p.His1225Arg (NM_001382394.1); c.3650A>G, p.His1217Arg (NM_001382395.1); short protein forms H1225R, H1232R, H1217R.
Identifiers: ClinVar variation 3680251 (VCV003680251.2).